The following is an entry in ClinVar:

ClinVar aggregate classification (germline): Pathogenic (1 of 4 stars; one submission).

Conditions:
Joubert syndrome. Also called: CEREBELLOPARENCHYMAL DISORDER IV; JOUBERT-BOLTSHAUSER SYNDROME; Familial aplasia of the vermis. Identifiers: Orphanet 475, MedGen C5979921, MONDO:0018772.
Meckel-Gruber syndrome. Also called: DYSENCEPHALIA SPLANCHNOCYSTICA; GRUBER SYNDROME; Dysencephalia splachnocystica. Identifiers: Orphanet 564, MedGen C0265215, MONDO:0018921.

Submission:

Labcorp Genetics (formerly Invitae), Labcorp
Classification: Pathogenic for Joubert syndrome; Meckel-Gruber syndrome. Last evaluated: 2023-09-27. Review status: criteria provided, single submitter. Criteria: Invitae Variant Classification Sherloc (09022015). Collection method: clinical testing. Allele origin: germline.
Comment: For these reasons, this variant has been classified as Pathogenic. This variant has not been reported in the literature in individuals affected with TMEM67-related conditions. This variant is not present in population databases (gnomAD no frequency). This sequence change creates a premature translational stop signal (p.Thr108Asnfs*12) in the TMEM67 gene. It is expected to result in an absent or disrupted protein product. Loss-of-function variants in TMEM67 are known to be pathogenic (PMID: 20232449, 23559409).

Literature cited by the submitters: PubMed 20232449; PubMed 23559409.

NM_153704.6(TMEM67):c.322dup (p.Thr108fs)

Gene: TMEM67 (transmembrane protein 67; plus strand). Cytogenetic location: 8q22.1.
Variant type: Duplication.
Coding change: c.322dup on transcript NM_153704.6 (MANE Select); coding-DNA position 322, one base duplicated (A; older notation c.322dupA).
Protein change: p.Thr108fs; shifts the reading frame from threonine 108.
Molecular consequence: frameshift variant. On other transcripts: 5 prime UTR variant (1), non-coding transcript variant (1).
Genome position (GRCh38, 1-based): chr8:93,758,492, A duplicated. VCF-style (leftmost placement, unchanged base first): chr8-93758491-T-TA. GRCh37 (hg19) VCF-style: chr8-94770719-T-TA.
Other names: c.-56dup (NM_001142301.1); short protein forms T108fs.
Identifiers: ClinVar variation 2940748 (VCV002940748.3), dbSNP rs1812681075, ClinGen allele CA1803211977.